The following is an entry in ClinVar:

NM_024675.4(PALB2):c.2441A>T (p.Glu814Val)

Gene: PALB2 (partner and localizer of BRCA2; minus strand). Cytogenetic location: 16p12.2.
Variant type: single nucleotide variant.
Coding change: c.2441A>T on transcript NM_024675.4 (MANE Select); coding-DNA position 2441, A replaced by T.
Protein change: p.Glu814Val; replaces glutamic acid 814 with valine.
Molecular consequence: missense variant.
Genome position (GRCh38, 1-based): chr16:23,629,713, T>A on the plus strand (A>T on the coding strand, the complement: PALB2 is on the minus strand). VCF-style: chr16-23629713-T-A. GRCh37 (hg19) VCF-style: chr16-23641034-T-A.
Other names: short protein forms E814V.
Identifiers: ClinVar variation 628199 (VCV000628199.6), dbSNP rs1567217273, ClinGen allele CA395124230.
Genomic context (GRCh38, chr16:23,629,713, plus strand): 5'-TGTTTATGCAGCTCCTGGCATGTGTTTCTACAGAGCTGATTTTCTTTAAAAGTGAATGAC[T>A]CAATGGGTGGAGGTGTTCCTGGCGGGACAGAGTCACAGTCACAGGTAGGTTGTCCTTGCC-3'
Protein context (NP_078951.2, residues 804-824): SVPPGTPPPI[Glu814Val]SFTFKENQLC

ClinVar aggregate classification (germline): Uncertain significance. Review status: criteria provided, multiple submitters, no conflicts (2 of 4 stars). 2 submissions from 2 submitters: Uncertain significance (2). Last evaluated 2024-12-28.

Conditions:
Hereditary cancer-predisposing syndrome. Also called: Neoplastic Syndromes, Hereditary; Tumor predisposition; Hereditary neoplastic syndrome; Hereditary Cancer Syndrome. Identifiers: Orphanet 140162, MedGen C0027672, MeSH D009386, MONDO:0015356.
Familial cancer of breast. Also called: BREAST CANCER, FAMILIAL; Hereditary breast cancer; hereditary breast carcinoma. Identifiers: Orphanet 227535, MedGen C0346153, MONDO:0016419, OMIM 114480. Disease mechanism: loss of function.

Submissions (2):

Labcorp Genetics (formerly Invitae), Labcorp
Classification: Uncertain significance for Familial cancer of breast. Last evaluated: 2024-12-28. Review status: criteria provided, single submitter. Criteria: Invitae Variant Classification Sherloc (09022015). Collection method: clinical testing. Allele origin: germline.
Comment: This sequence change replaces glutamic acid, which is acidic and polar, with valine, which is neutral and non-polar, at codon 814 of the PALB2 protein (p.Glu814Val). This variant is not present in population databases (gnomAD no frequency). This variant has not been reported in the literature in individuals affected with PALB2-related conditions. ClinVar contains an entry for this variant (Variation ID: 628199). Invitae Evidence Modeling of protein sequence and biophysical properties (such as structural, functional, and spatial information, amino acid conservation, physicochemical variation, residue mobility, and thermodynamic stability) has been performed for this missense variant. However, the output from this modeling did not meet the statistical confidence thresholds required to predict the impact of this variant on PALB2 protein function. In summary, the available evidence is currently insufficient to determine the role of this variant in disease. Therefore, it has been classified as a Variant of Uncertain Significance.

Color Diagnostics, LLC DBA Color Health
Classification: Uncertain significance for Hereditary cancer-predisposing syndrome. Last evaluated: 2023-12-05. Review status: criteria provided, single submitter. Criteria: ACMG Guidelines, 2015. Collection method: clinical testing. Allele origin: germline.
Comment: This missense variant replaces glutamic acid with valine at codon 814 of the PALB2 protein. Computational prediction suggests that this variant may not impact protein structure and function (internally defined REVEL score threshold <= 0.5, PMID: 27666373). To our knowledge, functional studies have not been reported for this variant. This variant has not been reported in individuals affected with PALB2-related disorders in the literature. This variant has not been identified in the general population by the Genome Aggregation Database (gnomAD). The available evidence is insufficient to determine the role of this variant in disease conclusively. Therefore, this variant is classified as a Variant of Uncertain Significance.